The following is an entry in ClinVar:

NM_030632.3(ASXL3):c.2573C>G (p.Thr858Ser)

Gene: ASXL3 (ASXL transcriptional regulator 3; plus strand). Cytogenetic location: 18q12.1.
Variant type: single nucleotide variant.
Coding change: c.2573C>G on transcript NM_030632.3 (MANE Select); coding-DNA position 2573, C replaced by G.
Protein change: p.Thr858Ser; replaces threonine 858 with serine.
Molecular consequence: missense variant.
Genome position (GRCh38, 1-based): chr18:33,739,977, C>G. VCF-style: chr18-33739977-C-G. GRCh37 (hg19) VCF-style: chr18-31319941-C-G.
Other names: short protein forms T858S.
Identifiers: ClinVar variation 3361797 (VCV003361797.1).
Genomic context (GRCh38, chr18:33,739,977, plus strand): 5'-GTAAATCACATGTTGACACTGAGAAGCCCTACCCTGCTTCAATTCCAGAACTTGCTTCTA[C>G]TGAAATGATAAAAGTTAAAAATCATAGCGTCCTGCAAAGAACAGAAAAAAAAGTGTTACC-3'
Protein context (NP_085135.1, residues 848-868): YPASIPELAS[Thr858Ser]EMIKVKNHSV

ClinVar aggregate classification (germline): Uncertain significance (1 of 4 stars; one submission).

gnomAD v4.1: 1 of 1,613,822 alleles (0.000062%); highest among the groups gnomAD compares: East Asian, 0.0022%; no homozygotes.

Submission:

GeneDx
Classification: Uncertain significance. Last evaluated: 2023-08-07. Review status: criteria provided, single submitter. Criteria: GeneDx Variant Classification Process June 2021. Collection method: clinical testing. Allele origin: germline. Affected: yes.
Comment: Not observed at significant frequency in large population cohorts (gnomAD); In silico analysis supports that this missense variant does not alter protein structure/function; Has not been previously published as pathogenic or benign to our knowledge